The following is an entry in ClinVar:

ClinVar aggregate classification (germline): Uncertain significance. Review status: criteria provided, multiple submitters, no conflicts (2 of 4 stars). 2 submissions from 2 submitters: Uncertain significance (2). Last evaluated 2025-05-05.

Conditions:
Hereditary cancer-predisposing syndrome. Also called: Tumor predisposition; Hereditary Cancer Syndrome; Neoplastic Syndromes, Hereditary; Hereditary neoplastic syndrome. Identifiers: Orphanet 140162, MedGen C0027672, MeSH D009386, MONDO:0015356.

Submissions (2):

Spanish MMR Variant Interpretation Working Group
Classification: Uncertain significance for Hereditary cancer-predisposing syndrome. Last evaluated: 2025-05-05. Review status: criteria provided, single submitter. Criteria: ClinGen CRC ACMG Specifications PMS2 V1.0.0. Collection method: clinical testing. Allele origin: germline. Affected: yes.
Comment: The PMS2 variant c.2093T>A replaces valine with glutamic acid at codon 698 of the PMS2 protein, p.(Val698Glu). The valine residue is moderately conserved, and there is a moderate physicochemical difference between valine and glutamic acid. This variant is absent from the gnomAD v4.1.0 database (PM2_P; the allele frequency data may be inaccurate due to possible PMS2CL pseudogene interference). The SpliceAI algorithm predicts no significant impact on splicing. It is a missense variant with a MAPP+PolyPhen-2 prior probability of pathogenicity of >0.81 (PP3_M). There are no other described class 4/5 variants located at the same residue. To our current knowledge, no functional assays have been reported for this variant. Based on the available evidence, this variant is classified as a Variant of Uncertain Significance (Class 3).

Molecular Diagnostics Laboratory, Catalan Institute of Oncology
Classification: Uncertain significance for Hereditary cancer-predisposing syndrome. Last evaluated: 2024-10-16. Review status: criteria provided, single submitter. Criteria: MMR VCEP Paper Draft V3.1. Collection method: clinical testing. Allele origin: germline.
Comment: PM2_Supporting, PP3_Moderate, PP4 c.2093T>A, located in exon 12 of the PMS2 gene, is predicted to result in the substitution of valine by glutamic acid at codon 698, p.(Val698Glu). It is not present in the population database gnomAD v2.1.1, non-cancer dataset (PM2_supporting). Computational tools predict a deleterious effect of the variant on protein function (MAPP+PolyPhen-2 prior probability for pathogenicity: 0.914) (PP3_moderate). To our knowledge, neither relevant clinical data nor well-established functional studies have been reported for this variant. This variant has been reported in at least 1 CRC patient with consistent IHC (data from our internal cohort of patients)(PP4). This variant has not been reported in the ClinVar database nor in LOVD, and it has not been classified by InSiGHT. Based on currently available information, the variant c.2093T>A should be considered an uncertain significance variant, according to the ACMG/AMP guidelines.

NM_000535.7(PMS2):c.2093T>A (p.Val698Glu)

Gene: PMS2 (PMS1 homolog 2, mismatch repair system component; minus strand). Cytogenetic location: 7p22.1.
Variant type: single nucleotide variant.
Coding change: c.2093T>A on transcript NM_000535.7 (MANE Select); coding-DNA position 2093, T replaced by A.
Protein change: p.Val698Glu; replaces valine 698 with glutamic acid.
Molecular consequence: missense variant. On other transcripts: non-coding transcript variant (1), intron variant (4).
Genome position (GRCh38, 1-based): chr7:5,982,905, A>T on the plus strand (T>A on the coding strand, the complement: PMS2 is on the minus strand). VCF-style: chr7-5982905-A-T. GRCh37 (hg19) VCF-style: chr7-6022536-A-T.
Other names: c.1985T>A, p.Val662Glu (NM_001406869.1); c.1688T>A, p.Val563Glu (NM_001322003.2, NM_001322004.2, NM_001322005.2 and 14 more transcripts); c.1937T>A, p.Val646Glu (NM_001322006.2, NM_001406870.1); c.1775T>A, p.Val592Glu (NM_001322007.2, NM_001322008.2, NM_001406876.1 and 1 more transcripts); c.1532T>A, p.Val511Glu (NM_001322010.2, NM_001406906.1, NM_001406907.1); c.1160T>A, p.Val387Glu (NM_001322011.2, NM_001322012.2); c.1520T>A, p.Val507Glu (NM_001322013.2, NM_001406909.1); c.2093T>A, p.Val698Glu (NM_001322014.2, NM_001406871.1); and 16 more; short protein forms V297E, V387E, V441E, V507E, V511E, V527E, V540E, V543E.
Identifiers: ClinVar variation 3774398 (VCV003774398.2).